The following is an entry in ClinVar:

NM_000535.7(PMS2):c.986C>A (p.Ser329Ter)

Gene: PMS2 (PMS1 homolog 2, mismatch repair system component; minus strand). Cytogenetic location: 7p22.1.
Variant type: single nucleotide variant.
Coding change: c.986C>A on transcript NM_000535.7 (MANE Select); coding-DNA position 986, C replaced by A.
Protein change: p.Ser329Ter; replaces serine 329 with a stop codon.
Molecular consequence: nonsense. On other transcripts: non-coding transcript variant (1).
Genome position (GRCh38, 1-based): chr7:5,991,975, G>T on the plus strand (C>A on the coding strand, the complement: PMS2 is on the minus strand). VCF-style: chr7-5991975-G-T. GRCh37 (hg19) VCF-style: chr7-6031606-G-T.
Other names: c.581C>A, p.Ser194Ter (NM_001322003.2, NM_001322004.2, NM_001322005.2 and 2 more transcripts); c.986C>A, p.Ser329Ter (NM_001322006.2, NM_001322014.2); c.668C>A, p.Ser223Ter (NM_001322007.2, NM_001322008.2); c.53C>A, p.Ser18Ter (NM_001322011.2, NM_001322012.2); c.413C>A, p.Ser138Ter (NM_001322013.2); c.677C>A, p.Ser226Ter (NM_001322015.2); short protein forms S194*, S329*, S18*, S138*, S223*, S226*.
Identifiers: ClinVar variation 1456153 (VCV001456153.6), dbSNP rs1461669945, ClinGen allele CA366743058.

ClinVar aggregate classification (germline): Pathogenic (1 of 4 stars; one submission).

Conditions:
Hereditary nonpolyposis colorectal neoplasms. Identifiers: MedGen C0009405, MeSH D003123.

Submission:

Labcorp Genetics (formerly Invitae), Labcorp
Classification: Pathogenic for Hereditary nonpolyposis colorectal neoplasms. Last evaluated: 2021-08-02. Review status: criteria provided, single submitter. Criteria: Invitae Variant Classification Sherloc (09022015). Collection method: clinical testing. Allele origin: germline.
Comment: This sequence change creates a premature translational stop signal (p.Ser329*) in the PMS2 gene. It is expected to result in an absent or disrupted protein product. Loss-of-function variants in PMS2 are known to be pathogenic (PMID: 21376568, 24362816). This variant is not present in population databases (ExAC no frequency). This variant has not been reported in the literature in individuals affected with PMS2-related conditions. For these reasons, this variant has been classified as Pathogenic.

Literature cited by the submitters: PubMed 21376568; PubMed 24362816.